The following is an entry in ClinVar:

ClinVar aggregate classification (germline): Pathogenic/Likely pathogenic. Review status: criteria provided, multiple submitters, no conflicts (2 of 4 stars). 2 submissions from 2 submitters: Pathogenic (1); Likely pathogenic (1). Last evaluated 2025-05-12.

Conditions:
Ataxia-telangiectasia-like disorder (ATLD). Identifiers: MedGen C1858391, MONDO:0011457.
Ataxia-telangiectasia-like disorder 1 (ATLD1). Identifiers: Orphanet 251347, MedGen C4012790, MONDO:0024557, OMIM 604391.

Allele frequency attached by ClinVar (database versions not stated): gnomAD exomes below 0.00001.
gnomAD v4.1: 5 of 1,612,802 alleles (0.00031%); highest among the groups gnomAD compares: Non-Finnish European, 0.00034%; no homozygotes.

Submissions (2):

Labcorp Genetics (formerly Invitae), Labcorp
Classification: Pathogenic for Ataxia-telangiectasia-like disorder. Last evaluated: 2025-05-12. Review status: criteria provided, single submitter. Criteria: Invitae Variant Classification Sherloc (09022015). Collection method: clinical testing. Allele origin: germline.
Comment: This sequence change creates a premature translational stop signal (p.Gln630*) in the MRE11 gene. It is expected to result in an absent or disrupted protein product. Loss-of-function variants in MRE11 are known to be pathogenic (PMID: 23080121, 23912341). This variant is not present in population databases (gnomAD no frequency). This variant has not been reported in the literature in individuals affected with MRE11-related conditions. ClinVar contains an entry for this variant (Variation ID: 1681558). For these reasons, this variant has been classified as Pathogenic.

Baylor Genetics
Classification: Likely pathogenic for Ataxia-telangiectasia-like disorder 1. Last evaluated: 2022-02-23. Review status: criteria provided, single submitter. Criteria: ACMG Guidelines, 2015. Collection method: clinical testing. Allele origin: unknown.

Literature cited by the submitters: PubMed 23080121 (cited by Labcorp Genetics (formerly Invitae), Labcorp); PubMed 23912341 (cited by Labcorp Genetics (formerly Invitae), Labcorp).

NM_005591.4(MRE11):c.1888C>T (p.Gln630Ter)

Gene: MRE11 (MRE11 double strand break repair nuclease; minus strand). Cytogenetic location: 11q21.
Variant type: single nucleotide variant.
Coding change: c.1888C>T on transcript NM_005591.4 (MANE Select); coding-DNA position 1888, C replaced by T.
Protein change: p.Gln630Ter; replaces glutamine 630 with a stop codon.
Molecular consequence: nonsense.
Genome position (GRCh38, 1-based): chr11:94,437,215, G>A on the plus strand (C>T on the coding strand, the complement: MRE11 is on the minus strand). VCF-style: chr11-94437215-G-A. GRCh37 (hg19) VCF-style: chr11-94170381-G-A.
Other names: c.1885C>T, p.Gln629Ter (NM_001330347.2); c.1804C>T, p.Gln602Ter (NM_005590.4); short protein forms Q602*, Q629*, Q630*.
Identifiers: ClinVar variation 1681558 (VCV001681558.7), dbSNP rs2134840569, ClinGen allele CA382374806.